The following is an entry in ClinVar:

NM_003282.4(TNNI2):c.9-1G>C

Gene: TNNI2 (troponin I2, fast skeletal type; plus strand). Cytogenetic location: 11p15.5.
Variant type: single nucleotide variant.
Coding change: c.9-1G>C on transcript NM_003282.4 (MANE Select); the canonical splice acceptor site of the intron before coding-DNA position 9, G replaced by C.
Molecular consequence: splice acceptor variant.
Genome position (GRCh38, 1-based): chr11:1,839,848, G>C. VCF-style: chr11-1839848-G-C. GRCh37 (hg19) VCF-style: chr11-1861078-G-C.
Other names: c.9-1G>C (NM_001145829.2).
Identifiers: ClinVar variation 1708947 (VCV001708947.2), dbSNP rs2493960274, ClinGen allele CA379104633.
Genomic context (GRCh38, chr11:1,839,848, plus strand): 5'-GCCATGGCCCTAACCTCTGTCTTCTCTCCCCGTCCTGCCTGCGTCCTCCCTCCCTGGACA[G>C]TGAGGAGGTAAGTAGTTGCTGGGGGCTCAAAACATGACGAGGAGGGGGCTCCCCCAACTC-3'

ClinVar aggregate classification (germline): Uncertain significance (1 of 4 stars; one submission).

Conditions:
Distal arthrogryposis type 2B1 (DA2B1). Also called: Arthrogryposis multiplex congenita distal type II with craniofacial abnormalities. Identifiers: Orphanet 1147, MedGen C5193014, MONDO:0020820, OMIM 601680.

Submission:

MGZ Medical Genetics Center
Classification: Uncertain significance for Distal arthrogryposis type 2B1. Last evaluated: 2022-05-23. Review status: criteria provided, single submitter. Criteria: ACMG Guidelines, 2015. Collection method: clinical testing. Allele origin: germline. Affected: yes. Observed: 1 variant allele.
Comment: ACMG criteria applied: PM2_SUP, PM3_SUP